The following is an entry in ClinVar:

ClinVar aggregate classification (germline): Conflicting classifications of pathogenicity. Review status: criteria provided, conflicting classifications (1 of 4 stars). 17 submissions from 16 submitters: Uncertain significance (12); Benign (1); Likely benign (2). 2 of the submissions do not count toward it. Last evaluated 2026-01-13.

Conditions:
Endometrial carcinoma. Also called: Endometrial carcinoma, somatic. Identifiers: MedGen C0476089, MONDO:0002447, OMIM 608089, HP:0012114.
Lynch syndrome 5 (LYNCH5). Also called: Hereditary non-polyposis colorectal cancer, type 5; Colorectal cancer, hereditary nonpolyposis, type 5. Identifiers: Orphanet 144, MedGen C1833477, MONDO:0013710, OMIM 614350. Disease mechanism: loss of function.
Mismatch repair cancer syndrome 3. Identifiers: MedGen C5436807, MONDO:0030841, OMIM 619097.
MSH6-related disorder. Also called: MSH6-related condition; MSH6-Related disorders.
Lynch-like syndrome.
Hereditary nonpolyposis colorectal neoplasms. Identifiers: MedGen C0009405, MeSH D003123.
Hereditary cancer-predisposing syndrome. Also called: Neoplastic Syndromes, Hereditary; Tumor predisposition; Hereditary Cancer Syndrome; Hereditary neoplastic syndrome. Identifiers: Orphanet 140162, MedGen C0027672, MeSH D009386, MONDO:0015356.
Lynch syndrome. Identifiers: Orphanet 144, MedGen C4552100, MONDO:0005835. Disease mechanism: loss of function.
Mismatch repair cancer syndrome 1 (MMRCS1). Also called: MISMATCH REPAIR DEFICIENCY; MMR DEFICIENCY; BRAIN TUMOR-POLYPOSIS SYNDROME 1; BTP1 SYNDROME; CHILDHOOD CANCER SYNDROME. Identifiers: Orphanet 252202, MedGen C5399763, MONDO:0010159, OMIM 276300. Disease mechanism: loss of function.

Allele frequency attached by ClinVar (database versions not stated): gnomAD 0.00001 and 0.00002; TOPMed 0.00005.
gnomAD v4.1: 28 of 1,613,896 alleles (0.0017%); highest among the groups gnomAD compares: Middle Eastern, 0.066%; 1 homozygote.

Submissions 1 to 10 of 17:

Labcorp Genetics (formerly Invitae), Labcorp
Classification: Benign for Hereditary nonpolyposis colorectal neoplasms. Last evaluated: 2026-01-13. Review status: criteria provided, single submitter. Criteria: Invitae Variant Classification Sherloc (09022015). Collection method: clinical testing. Allele origin: germline.

Dasa
Classification: Likely benign. Last evaluated: 2025-11-03. Review status: criteria provided, single submitter. Criteria: DASA Assertion Criteria. Collection method: clinical testing. Allele origin: germline.
Comment: NM_000179.3(MSH6):c.2419G>A (p.Glu807Lys) is a missense variant that results in the substitution of glutamic acid with lysine. Population frequency is inconsistent with a disease-causing role for this variant. Computational prediction algorithms are consistent with a benign effect. Therefore, based on the currently available evidence, this variant is classified as likely benign.

PreventionGenetics, part of Exact Sciences
Classification: Uncertain significance for MSH6-related condition. Last evaluated: 2025-04-03. Review status: criteria provided, single submitter. Criteria: ACMG Guidelines, 2015. Collection method: clinical testing. Allele origin: germline.
Comment: The MSH6 c.2419G>A variant is predicted to result in the amino acid substitution p.Glu807Lys. This variant was reported in an individual with biliary tract cancer (Supplementary Table 2, Okawa et al. 2023. PubMed ID: 36243179), an individual with colorectal cancer (Supplemental Table 2, DeRycke et al. 2017. PubMed ID: 28944238), and an individual with breast cancer who also had a pathogenic BRCA1 variant (Cock-Rada et al. 2018. PubMed ID: 28528518). This variant is reported in 0.0040% of alleles in individuals of African descent in gnomAD and has conflicting interpretations regarding its pathogenicity in ClinVar, ranging from benign to uncertain. At this time, the clinical significance of this variant is uncertain due to the absence of conclusive functional and genetic evidence.

Molecular Diagnostics Laboratory, Catalan Institute of Oncology
Classification: Uncertain significance for Hereditary cancer-predisposing syndrome. Last evaluated: 2025-01-09. Review status: criteria provided, single submitter. Criteria: MMR VCEP Paper Draft V3.1. Collection method: clinical testing. Allele origin: germline.
Comment: PM2_Supporting, BP4 c.2419G>A, located in exon 4 of the MSH6 gene, is predicted to result in the substitution of glutamic acid by lysine at codon 807, p.(Glu807Lys). This variant is found in 2/267332 alleles at a frequency of 0.0007% in the gnomAD v2.1.1 database, non-cancer dataset (PM2_supporting). Computational tools for this variant suggest no significant impact on splicing and no effect on protein function (MAPP+PolyPhen-2 prior probability for pathogenicity: 0.0035) (BP4). To our knowledge, neither relevant clinical data nor well-stablished functional studies have been reported for this variant. In addition, the variant is reported in the ClinVar database (1x benign, 1x likely benign, 10x uncertain significance) and LOVD (1x as not provided) but it is not reported in the InSiGHT database. Based on the currently available information, c.2419G>A is classified as an uncertain significance variant according to ClinGen-MMR Guidelines Draft v3.1.

Myriad Genetics, Inc.
Classification: Likely benign for Lynch syndrome 5. Last evaluated: 2024-12-31. Review status: criteria provided, single submitter. Criteria: Myriad Autosomal Dominant, Autosomal Recessive and X-Linked Classification Criteria (2023). Collection method: clinical testing. Allele origin: unknown.
Comment: This variant is considered likely benign. This variant is strongly associated with less severe personal and family histories of cancer, typical for individuals without pathogenic variants in this gene [PMID: 27363726].

Ambry Genetics
Classification: Uncertain significance for Hereditary cancer-predisposing syndrome. Last evaluated: 2024-11-20. Review status: criteria provided, single submitter. Criteria: Ambry Variant Classification Scheme 2023. Collection method: clinical testing. Allele origin: germline.
Comment: The p.E807K variant (also known as c.2419G>A), located in coding exon 4 of the MSH6 gene, results from a G to A substitution at nucleotide position 2419. The glutamic acid at codon 807 is replaced by lysine, an amino acid with similar properties. This alteration was also detected in 1/1231 colorectal cancer patients and 0/93 controls (DeRycke MS et al. Mol Genet Genomic Med, 2017 Sep;5:553-569). This amino acid position is well conserved in available vertebrate species. In addition, the in silico prediction for this alteration is inconclusive. Based on the available evidence, the clinical significance of this variant remains unclear.

All of Us Research Program, National Institutes of Health
Classification: Uncertain significance for Lynch syndrome. Last evaluated: 2024-09-23. Review status: criteria provided, single submitter. Criteria: ACMG Guidelines, 2015. Collection method: clinical testing. Allele origin: germline. Inheritance: Autosomal dominant inheritance. Observed: 10 variant alleles, 10 heterozygotes.
Comment: This missense variant replaces glutamic acid with lysine at codon 807 of the MSH6 protein. Computational prediction tool is inconclusive regarding the impact of this variant on protein structure and function (internally defined REVEL score threshold 0.5 < inconclusive < 0.7, PMID: 27666373). To our knowledge, functional studies have not been performed for this variant. This variant has been reported in an individual affected with colorectal cancer (PMID: 28944238), and in an individual affected with breast cancer who also carried a BRCA1 truncation variant (PMID: 28528518, 31658756). This variant has been identified in 3/281820 chromosomes in the general population by the Genome Aggregation Database (gnomAD). The available evidence is insufficient to determine the role of this variant in disease conclusively. Therefore, this variant is classified as a Variant of Uncertain Significance.

This study involves interpretation of variants in research participants for the purpose of population health screening. Participant phenotype was not available at the time of variant classification. Additional details can be found in publication PMID: 35346344, PMCID: PMC8962531

Quest Diagnostics Nichols Institute San Juan Capistrano
Classification: Uncertain significance. Last evaluated: 2024-03-22. Review status: criteria provided, single submitter. Criteria: Quest Diagnostics criteria. Collection method: clinical testing. Allele origin: unknown.
Comment: The MSH6 c.2419G>A (p.Glu807Lys) variant has been reported in the published literature in individuals with breast cancer and glioblastoma (PMID: 28528518 (2017), 26689913 (2015)). In addition, it has been described as somatic variant detected in an individual with rectosigmoid adenocarcinoma (PMID: 31104363 (2019)). It was also reported in biliary tract cancer study in reportedly healthy individuals (PMID: 36243179 (2022)). The frequency of this variant in the general population, 0.000011 (3/281820 chromosomes (Genome Aggregation Database)), is uninformative in the assessment of its pathogenicity. Analysis of this variant using bioinformatics tools for the prediction of the effect of amino acid changes on protein structure and function yielded predictions that this variant is benign. Based on the available information, we are unable to determine the clinical significance of this variant.

Fulgent Genetics
Classification: Uncertain significance for Endometrial carcinoma; Lynch syndrome 5; Mismatch repair cancer syndrome 3. Last evaluated: 2024-02-22. Review status: criteria provided, single submitter. Criteria: ACMG Guidelines, 2015. Collection method: clinical testing. Allele origin: germline.

Baylor Genetics
Classification: Uncertain significance for Endometrial carcinoma. Last evaluated: 2024-02-19. Review status: criteria provided, single submitter. Criteria: ACMG Guidelines, 2015. Collection method: clinical testing. Allele origin: unknown.

NM_000179.3(MSH6):c.2419G>A (p.Glu807Lys)

Gene: MSH6 (mutS homolog 6; plus strand). Cytogenetic location: 2p16.3.
Variant type: single nucleotide variant.
Coding change: c.2419G>A on transcript NM_000179.3 (MANE Select); coding-DNA position 2419, G replaced by A.
Protein change: p.Glu807Lys; replaces glutamic acid 807 with lysine.
Molecular consequence: missense variant.
Genome position (GRCh38, 1-based): chr2:47,800,402, G>A. VCF-style: chr2-47800402-G-A. GRCh37 (hg19) VCF-style: chr2-48027541-G-A.
Other names: p.E807K:GAA>AAA; c.2029G>A, p.Glu677Lys (NM_001281492.2); c.1513G>A, p.Glu505Lys (NM_001281493.2, NM_001281494.2); short protein forms E807K, E677K, E505K.
Identifiers: ClinVar variation 127570 (VCV000127570.41), dbSNP rs587779923, ClinGen allele CA010227.